The following is an entry in ClinVar:

NM_001375524.1(TRRAP):c.7863C>G (p.Phe2621Leu)

Gene: TRRAP (transformation/transcription domain associated protein; plus strand). Cytogenetic location: 7q22.1.
Variant type: single nucleotide variant.
Coding change: c.7863C>G on transcript NM_001375524.1 (MANE Select); coding-DNA position 7863, C replaced by G.
Protein change: p.Phe2621Leu; replaces phenylalanine 2621 with leucine.
Molecular consequence: missense variant.
Genome position (GRCh38, 1-based): chr7:98,976,172, C>G. VCF-style: chr7-98976172-C-G. GRCh37 (hg19) VCF-style: chr7-98573795-C-G.
Other names: c.7842C>G, p.Phe2614Leu (NM_001244580.2); c.7788C>G, p.Phe2596Leu (NM_003496.4); short protein forms F2596L, F2614L, F2621L.
Identifiers: ClinVar variation 4681663 (VCV004681663.5).

ClinVar aggregate classification (germline): Uncertain significance (1 of 4 stars; one submission).

gnomAD v4.1: 1 of 1,614,030 alleles (0.000062%); highest among the groups gnomAD compares: Non-Finnish European, 0.000085%; no homozygotes.

Submission:

CeGaT Center for Human Genetics Tuebingen
Classification: Uncertain significance. Last evaluated: 2025-12-01. Review status: criteria provided, single submitter. Criteria: CeGaT Center For Human Genetics Tuebingen Variant Classification Criteria Version 2. Collection method: clinical testing. Allele origin: germline. Affected: yes. Observed: 1 variant allele.
Comment: TRRAP: PM2